The following is an entry in ClinVar:

NM_000112.4(SLC26A2):c.1816C>A (p.Pro606Thr)

Gene: SLC26A2 (solute carrier family 26 member 2; plus strand). Cytogenetic location: 5q32.
Variant type: single nucleotide variant.
Coding change: c.1816C>A on transcript NM_000112.4 (MANE Select); coding-DNA position 1816, C replaced by A.
Protein change: p.Pro606Thr; replaces proline 606 with threonine.
Molecular consequence: missense variant.
Genome position (GRCh38, 1-based): chr5:149,981,409, C>A. VCF-style: chr5-149981409-C-A. GRCh37 (hg19) VCF-style: chr5-149360972-C-A.
Other names: short protein forms P606T.
Identifiers: ClinVar variation 1040294 (VCV001040294.10), dbSNP rs767618201, ClinGen allele CA3505498.

ClinVar aggregate classification (germline): Uncertain significance (1 of 4 stars; one submission).

Conditions:
Achondrogenesis, type IB (ACG1B). Also called: Achondrogenesis Type 1B. Identifiers: Orphanet 932, Orphanet 93298, MedGen C0265274, MONDO:0010966, OMIM 600972.
Multiple epiphyseal dysplasia type 4 (EDM4). Also called: MULTIPLE EPIPHYSEAL DYSPLASIA WITH BILAYERED PATELLAE; MULTIPLE EPIPHYSEAL DYSPLASIA WITH CLUBFOOT; MULTIPLE EPIPHYSEAL DYSPLASIA, AUTOSOMAL RECESSIVE; Multiple Epiphyseal Dysplasia, Recessive; SLC26A2-Related Multiple Epiphyseal Dysplasia. Identifiers: Orphanet 93307, MedGen C1847593, MONDO:0009189, OMIM 226900.
Atelosteogenesis type II (AO2). Also called: NEONATAL OSSEOUS DYSPLASIA I; SLC26A2-Related Atelosteogenesis; Neonatal osseous dysplasia 1. Identifiers: Orphanet 56304, MedGen C1850554, MONDO:0009727, OMIM 256050.
Diastrophic dysplasia (DTD). Also called: Diastrophic dwarfism. Identifiers: Orphanet 628, MedGen C0220726, MONDO:0009107, OMIM 222600.

Submission:

Labcorp Genetics (formerly Invitae), Labcorp
Classification: Uncertain significance for Atelosteogenesis type II; Multiple epiphyseal dysplasia type 4; Achondrogenesis, type IB; Diastrophic dysplasia. Last evaluated: 2020-03-10. Review status: criteria provided, single submitter. Criteria: Invitae Variant Classification Sherloc (09022015). Collection method: clinical testing. Allele origin: germline.
Comment: This variant has been observed in an individual with diastrophic dysplasia (Invitae). In at least one individual the data is consistent with the variant being in trans (on the opposite chromosome) from a pathogenic variant. This variant is present in population databases (rs767618201, ExAC 0.001%). This sequence change replaces proline with threonine at codon 606 of the SLC26A2 protein (p.Pro606Thr). The proline residue is highly conserved and there is a small physicochemical difference between proline and threonine. Algorithms developed to predict the effect of missense changes on protein structure and function (SIFT, PolyPhen-2, Align-GVGD) all suggest that this variant is likely to be disruptive, but these predictions have not been confirmed by published functional studies and their clinical significance is uncertain. In summary, the available evidence is currently insufficient to determine the role of this variant in disease. Therefore, it has been classified as a Variant of Uncertain Significance.